The following is an entry in ClinVar:

ClinVar aggregate classification (germline): Uncertain significance (1 of 4 stars; one submission).

Conditions:
COL4A1-related disorder. Also called: COL4A1-related condition; COL4A1-related disorders. Identifiers: MedGen CN376119, MONDO:0800461.

gnomAD v4.1: 3 of 1,614,170 alleles (0.00019%); highest among the groups gnomAD compares: South Asian, 0.0011%; no homozygotes.

Submission:

PreventionGenetics, part of Exact Sciences
Classification: Uncertain significance for COL4A1-related condition. Last evaluated: 2026-06-03. Review status: criteria provided, single submitter. Criteria: ACMG Guidelines, 2015. Collection method: clinical testing. Allele origin: germline.
Comment: The COL4A1 c.2812A>G variant is predicted to result in the amino acid substitution p.Met938Val. To our knowledge, this variant has not been reported in the literature. This variant is absent in a large population database (gnomAD), indicating this variant is rare. At this time, the clinical significance of this variant is uncertain due to the absence of conclusive functional and genetic evidence.

NM_001845.6(COL4A1):c.2812A>G (p.Met938Val)

Gene: COL4A1 (collagen type IV alpha 1 chain; minus strand). Cytogenetic location: 13q34.
Variant type: single nucleotide variant.
Coding change: c.2812A>G on transcript NM_001845.6 (MANE Select); coding-DNA position 2812, A replaced by G.
Protein change: p.Met938Val; replaces methionine 938 with valine.
Molecular consequence: missense variant.
Genome position (GRCh38, 1-based): chr13:110,176,942, T>C on the plus strand (A>G on the coding strand, the complement: COL4A1 is on the minus strand). VCF-style: chr13-110176942-T-C. GRCh37 (hg19) VCF-style: chr13-110829289-T-C.
Other names: short protein forms M938V.
Identifiers: ClinVar variation 5000296 (VCV005000296.1).